The following is an entry in ClinVar:

ClinVar aggregate classification (germline): Uncertain significance (1 of 4 stars; one submission).

Allele frequency attached by ClinVar (database versions not stated): gnomAD exomes below 0.00001.
gnomAD v4.1: 3 of 1,614,146 alleles (0.00019%); highest among the groups gnomAD compares: Non-Finnish European, 0.00025%; no homozygotes.

Submission:

Ambry Genetics
Classification: Uncertain significance. Last evaluated: 2021-08-09. Review status: criteria provided, single submitter. Criteria: Ambry Variant Classification Scheme 2023. Collection method: clinical testing. Allele origin: germline.
Comment: The p.S274R variant (also known as c.822C>G), located in coding exon 1 of the EGLN1 gene, results from a C to G substitution at nucleotide position 822. The serine at codon 274 is replaced by arginine, an amino acid with dissimilar properties. This amino acid position is conserved. In addition, the in silico prediction for this alteration is inconclusive. Since supporting evidence is limited at this time, the clinical significance of this alteration remains unclear.

NM_022051.3(EGLN1):c.822C>G (p.Ser274Arg)

Genes: EGLN1 (egl-9 family hypoxia inducible factor 1; minus strand), LOC129932769 (ATAC-STARR-seq lymphoblastoid active region 2730; plus strand). Cytogenetic location: 1q42.2.
Variant type: single nucleotide variant.
Coding change: c.822C>G on transcript NM_022051.3 (MANE Select); coding-DNA position 822, C replaced by G.
Protein change: p.Ser274Arg; replaces serine 274 with arginine.
Molecular consequence: missense variant.
Genome position (GRCh38, 1-based): chr1:231,421,067, G>C on the plus strand (C>G on the coding strand, the complement: EGLN1 is on the minus strand). VCF-style: chr1-231421067-G-C. GRCh37 (hg19) VCF-style: chr1-231556813-G-C.
Other names: c.822C>G, p.Ser274Arg (NM_001377260.1, NM_001377261.1); short protein forms S274R.
Identifiers: ClinVar variation 1762541 (VCV001762541.2), dbSNP rs541462988, ClinGen allele CA345235043.